The following is an entry in ClinVar:

ClinVar aggregate classification (germline): Likely pathogenic (1 of 4 stars; one submission).

Submission:

Quest Diagnostics Nichols Institute San Juan Capistrano
Classification: Likely pathogenic. Last evaluated: 2021-08-13. Review status: criteria provided, single submitter. Criteria: Quest Diagnostics criteria. Collection method: clinical testing. Allele origin: unknown.
Comment: Evidence specific to this gene predicts this variant significantly disrupts the protein structure and/or function. The deletion of exon 19 in BRCA2 has been reported in an individual with breast cancer in the published literature (PMID: 23479189 (2016)). Based on the available information, this variant is classified as likely pathogenic.

Literature cited by the submitters: PubMed 23479189.

NM_000059.3(BRCA2):c.8332_8487del

Gene: BRCA2 (BRCA2 DNA repair associated; plus strand). Cytogenetic location: 13q13.1.
Variant type: Deletion.
Coding change: c.8332_8487del on transcript NM_000059.3; coding-DNA positions 8332 to 8487, 156 bases deleted.
Genome position (GRCh38, 1-based): chr13:32,370,402-32,370,557, 156 bases deleted. GRCh37 (hg19): chr13:32,944,539-32,944,694.
Identifiers: ClinVar variation 1809516 (VCV001809516.1), ClinGen allele CA2580087346.